The following is an entry in ClinVar:

NM_015102.5(NPHP4):c.3231+1G>A

Gene: NPHP4 (nephrocystin 4; minus strand). Cytogenetic location: 1p36.31.
Variant type: single nucleotide variant.
Coding change: c.3231+1G>A on transcript NM_015102.5 (MANE Select); the canonical splice donor site of the intron after coding-DNA position 3231, G replaced by A.
Molecular consequence: splice donor variant.
Genome position (GRCh38, 1-based): chr1:5,874,470, C>T on the plus strand (G>A on the coding strand, the complement: NPHP4 is on the minus strand). VCF-style: chr1-5874470-C-T. GRCh37 (hg19) VCF-style: chr1-5934530-C-T.
Other names: c.1695+1G>A (NM_001291594.2); c.1692+1G>A (NM_001291593.2).
Identifiers: ClinVar variation 1470737 (VCV001470737.6), dbSNP rs1642345798, ClinGen allele CA338055411.

ClinVar aggregate classification (germline): Likely pathogenic (1 of 4 stars; one submission).

Conditions:
Nephronophthisis. Also called: Juvenile Nephronophthisis. Identifiers: Orphanet 655, MedGen C0687120, MONDO:0019005, HP:0000090.

Submission:

Labcorp Genetics (formerly Invitae), Labcorp
Classification: Likely pathogenic for Nephronophthisis. Last evaluated: 2024-05-20. Review status: criteria provided, single submitter. Criteria: Invitae Variant Classification Sherloc (09022015). Collection method: clinical testing. Allele origin: germline.
Comment: This sequence change affects a donor splice site in intron 22 of the NPHP4 gene. It is expected to disrupt RNA splicing. Variants that disrupt the donor or acceptor splice site typically lead to a loss of protein function (PMID: 16199547), and loss-of-function variants in NPHP4 are known to be pathogenic (PMID: 12205563, 23559409). This variant is not present in population databases (gnomAD no frequency). This variant has not been reported in the literature in individuals affected with NPHP4-related conditions. ClinVar contains an entry for this variant (Variation ID: 1470737). Algorithms developed to predict the effect of sequence changes on RNA splicing suggest that this variant may disrupt the consensus splice site. In summary, the currently available evidence indicates that the variant is pathogenic, but additional data are needed to prove that conclusively. Therefore, this variant has been classified as Likely Pathogenic.

Literature cited by the submitters: PubMed 16199547; PubMed 12205563; PubMed 23559409.